The following is an entry in ClinVar:

ClinVar aggregate classification (germline): Pathogenic (1 of 4 stars; one submission).

Conditions:
Nemaline myopathy 2 (NEM2). Also called: Nemaline myopathy 2, autosomal recessive. Identifiers: MedGen C1850569, MONDO:0009725, OMIM 256030.

Submission:

Labcorp Genetics (formerly Invitae), Labcorp
Classification: Pathogenic for Nemaline myopathy 2. Last evaluated: 2023-01-08. Review status: criteria provided, single submitter. Criteria: Invitae Variant Classification Sherloc (09022015). Collection method: clinical testing. Allele origin: germline.
Comment: This variant occurs in a region of NEB (Exons 82-105) consisting of three highly homologous 8-exon repeat units (exons 82-89, exons 90-97, exons 98-105). Sequence variants in this region can be detected, but this assay cannot determine which of the three repeat units is affected, and zygosity is often ambiguous. All variants in this region are reported relative to the exon 82-89 repeat. For these reasons, this variant has been classified as Pathogenic. This variant has not been reported in the literature in individuals affected with NEB-related conditions. The frequency data for this variant in the population databases (gnomAD) is considered unreliable due to the presence of homologous sequence, such as pseudogenes or paralogs, in the genome. This sequence change creates a premature translational stop signal (p.Arg4588Glyfs*32) in the NEB gene. It is expected to result in an absent or disrupted protein product. Loss-of-function variants in NEB are known to be pathogenic (PMID: 25205138).

Literature cited by the submitters: PubMed 25205138.

NM_001164508.2(NEB):c.13761del (p.Arg4588fs)

Gene: NEB (nebulin; minus strand). Cytogenetic location: 2q23.3.
Variant type: Deletion.
Coding change: c.13761del on transcript NM_001164508.2 (MANE Select); coding-DNA position 13761, one base deleted (C; older notation c.13761delC).
Protein change: p.Arg4588fs; shifts the reading frame from arginine 4588.
Molecular consequence: frameshift variant. On other transcripts: intron variant (1).
Genome position (GRCh38, 1-based): chr2:151,600,469, G deleted on the plus strand (C on the coding strand, the reverse complement: NEB is on the minus strand); the first of 2 consecutive G bases (chr2:151,600,469-151,600,470); deleting either gives the same sequence. VCF-style (leftmost placement, unchanged base first): chr2-151600468-TG-T. GRCh37 (hg19) VCF-style: chr2-152456982-TG-T.
Other names: c.13761del, p.Arg4588fs (NM_001164507.2, NM_001271208.2); c.11601+9340del (NM_004543.5); short protein forms R4588fs.
Identifiers: ClinVar variation 2827163 (VCV002827163.3), dbSNP rs2552219745, ClinGen allele CA2739271363.
Genomic context (GRCh38, chr2:151,600,468, plus strand): 5'-AATGGGGGACTTGTTTCCTGGGGGACACACTTACGTCGCTCTGTAGGTCGTAGGCTTTCC[TG>T]GCTTGGATCACATCATTCTGGTCGGGAAAGCAAGACCAGTGGTGCAGGTAATGGCGATAG-3'